The following is an entry in ClinVar:

ClinVar aggregate classification (germline): Likely pathogenic (1 of 4 stars; one submission).

Conditions:
Intellectual disability-facial dysmorphism syndrome due to SETD5 haploinsufficiency (MRD23). Also called: Intellectual developmental disorder, autosomal dominant 23. Identifiers: Orphanet 404440, MedGen C3810406, MONDO:0014336, OMIM 615761.

Submission:

Victorian Clinical Genetics Services, Murdoch Childrens Research Institute
Classification: Likely pathogenic for Intellectual disability-facial dysmorphism syndrome due to SETD5 haploinsufficiency. Last evaluated: 2024-10-09. Review status: criteria provided, single submitter. Criteria: ACMG Guidelines, 2015. Collection method: clinical testing. Allele origin: germline. Inheritance: Autosomal dominant inheritance. Affected: yes.
Comment: Based on the classification scheme VCGS_Germline_v1.3.4, this variant is classified as Likely pathogenic. Following criteria are met: 0102 - Loss of function is a known mechanism of disease in this gene and is associated with intellectual developmental disorder, autosomal dominant 23 (MIM#615761). (I) 0107 - This gene is associated with autosomal dominant disease. (I) 0115 - Variants in this gene are known to have variable expressivity. Some mildly affected parents with the same SETD5 variant as their more severely affected children have been reported (PMID: 28881385, 27375234). (I) 0211 - Canonical splice site variant without proven consequence on splicing (no functional evidence available). (SP) 0251 - This variant is heterozygous. (I) 0301 - Variant is absent from gnomAD (both v2 and v3). (SP) 0505 - Abnormal splicing is predicted by in silico tools and affected nucleotide is highly conserved. (SP) 0705 - No comparable splice site variants have previous evidence for pathogenicity. (I) 0807 - This variant has no previous evidence of pathogenicity. (I) 0905 - No published segregation evidence has been identified for this variant. (I) 1007 - No published functional evidence has been identified for this variant. (I) Legend: (SP) - Supporting pathogenic, (I) - Information, (SB) - Supporting benign

Literature cited by the submitters: PubMed 27375234; PubMed 28881385.

NM_001080517.3(SETD5):c.567+1G>A

Gene: SETD5 (SET domain containing 5; plus strand). Cytogenetic location: 3p25.3.
Variant type: single nucleotide variant.
Coding change: c.567+1G>A on transcript NM_001080517.3 (MANE Select); the canonical splice donor site of the intron after coding-DNA position 567, G replaced by A.
Molecular consequence: splice donor variant.
Genome position (GRCh38, 1-based): chr3:9,435,907, G>A. VCF-style: chr3-9435907-G-A. GRCh37 (hg19) VCF-style: chr3-9477591-G-A.
Other names: c.234+1G>A (NM_001349451.2, NM_001292043.2).
Identifiers: ClinVar variation 3255211 (VCV003255211.2), dbSNP rs2472494193.